The following is an entry in ClinVar:

ClinVar aggregate classification (germline): Conflicting classifications of pathogenicity. Review status: criteria provided, conflicting classifications (1 of 4 stars). 5 submissions from 5 submitters: Uncertain significance (1); Benign (1); Likely benign (2). 1 of the submissions does not count toward it. Last evaluated 2026-06-01.

Conditions:
Inborn genetic diseases. Identifiers: MedGen C0950123, MeSH D030342.
DCHS1-related disorder. Also called: DCHS1-related condition.

Allele frequency attached by ClinVar (database versions not stated): gnomAD 0.00001 and 0.00028; TOPMed 0.00006; gnomAD exomes 0.00061 and 0.00120; 1000 Genomes Project 30x 0.00156; 1000 Genomes Project 0.00180; ExAC 0.00193.
gnomAD v4.1: 923 of 1,591,634 alleles (0.058%); highest among the groups gnomAD compares: South Asian, 0.96%; 9 homozygotes.

Submissions (5):

CeGaT Center for Human Genetics Tuebingen
Classification: Likely benign. Last evaluated: 2026-06-01. Review status: criteria provided, single submitter. Criteria: CeGaT Center For Human Genetics Tuebingen Variant Classification Criteria Version 2. Collection method: clinical testing. Allele origin: germline. Affected: yes. Observed: 1 variant allele.
Comment: DCHS1: BP4, BS2

Labcorp Genetics (formerly Invitae), Labcorp
Classification: Benign. Last evaluated: 2025-10-26. Review status: criteria provided, single submitter. Criteria: Invitae Variant Classification Sherloc (09022015). Collection method: clinical testing. Allele origin: germline.

Ambry Genetics
Classification: Uncertain significance for Inborn genetic diseases. Last evaluated: 2021-12-02. Review status: criteria provided, single submitter. Criteria: Ambry Variant Classification Scheme 2023. Collection method: clinical testing. Allele origin: germline.

GeneDx
Classification: Likely benign. Last evaluated: 2020-12-02. Review status: criteria provided, single submitter. Criteria: GeneDx Variant Classification Process June 2021. Collection method: clinical testing. Allele origin: germline. Affected: yes.

PreventionGenetics, part of Exact Sciences
Classification: Likely benign for DCHS1-related condition. Last evaluated: 2024-02-15. Review status: no assertion criteria provided. Collection method: clinical testing. Allele origin: germline. Not counted in ClinVar's aggregate classification.
Comment: This variant is classified as likely benign based on ACMG/AMP sequence variant interpretation guidelines (Richards et al. 2015 PMID: 25741868, with internal and published modifications).

NM_003737.4(DCHS1):c.8269G>A (p.Ala2757Thr)

Gene: DCHS1 (dachsous cadherin-related 1; minus strand). Cytogenetic location: 11p15.4.
Variant type: single nucleotide variant.
Coding change: c.8269G>A on transcript NM_003737.4 (MANE Select); coding-DNA position 8269, G replaced by A.
Protein change: p.Ala2757Thr; replaces alanine 2757 with threonine.
Molecular consequence: missense variant.
Genome position (GRCh38, 1-based): chr11:6,623,407, C>T on the plus strand (G>A on the coding strand, the complement: DCHS1 is on the minus strand). VCF-style: chr11-6623407-C-T. GRCh37 (hg19) VCF-style: chr11-6644638-C-T.
Other names: c.8269G>A (NM_003737.2); short protein forms A2757T.
Identifiers: ClinVar variation 788111 (VCV000788111.36), dbSNP rs373478460, ClinGen allele CA5859458.